The following is an entry in ClinVar:

NM_002334.4(LRP4):c.5362A>C (p.Asn1788His)

Genes: LRP4-AS1 (LRP4 antisense RNA 1; plus strand), LRP4 (LDL receptor related protein 4; minus strand). Cytogenetic location: 11p11.2.
Variant type: single nucleotide variant.
Coding change: c.5362A>C on transcript NM_002334.4 (MANE Select); coding-DNA position 5362, A replaced by C.
Protein change: p.Asn1788His; replaces asparagine 1788 with histidine.
Molecular consequence: missense variant.
Genome position (GRCh38, 1-based): chr11:46,862,629, T>G on the plus strand (A>C on the coding strand, the complement: LRP4 is on the minus strand). VCF-style: chr11-46862629-T-G. GRCh37 (hg19) VCF-style: chr11-46884180-T-G.
Other names: c.5362A>C (NM_002334.3); short protein forms N1788H.
Identifiers: ClinVar variation 1430528 (VCV001430528.19), dbSNP rs1208850907, ClinGen allele CA380285184.
Genomic context (GRCh38, chr11:46,862,629, plus strand): 5'-GCCAAAAAGACCCTTGAATATAAATTTCAATTTTTACCTCTTTCTTATAGCACAGCTGGT[T>G]GTACATGGCTGGTTTGGGGATTGCTTCAATCTTCACTTCCTGTGTGGATGTTCGGTAGGA-3'
Protein context (NP_002325.2, residues 1778-1798): IEAIPKPAMY[Asn1788His]QLCYKKEGGP

ClinVar aggregate classification (germline): Uncertain significance. Review status: criteria provided, multiple submitters, no conflicts (2 of 4 stars). 3 submissions from 3 submitters: Uncertain significance (3). Last evaluated 2025-12-04.

Conditions:
Sclerosteosis 2 (SOST2). Identifiers: Orphanet 3152, MedGen C3280402, MONDO:0013679, OMIM 614305.
Cenani-Lenz syndactyly syndrome. Also called: CENANI SYNDACTYLISM; SYNDACTYLY, TYPE VII. Identifiers: Orphanet 3258, MedGen C1859309, MONDO:0008931, OMIM 212780.
Congenital myasthenic syndrome 17. Identifiers: Orphanet 590, MedGen C4225377, MONDO:0014578, OMIM 616304.
Inborn genetic diseases. Identifiers: MedGen C0950123, MeSH D030342.

Allele frequency attached by ClinVar (database versions not stated): TOPMed below 0.00001; gnomAD 0.00001; gnomAD exomes 0.00001.
gnomAD v4.1: 9 of 1,614,070 alleles (0.00056%); highest among the groups gnomAD compares: Non-Finnish European, 0.00076%; no homozygotes.

Submissions (3):

Ambry Genetics
Classification: Uncertain significance for Inborn genetic diseases. Last evaluated: 2025-12-04. Review status: criteria provided, single submitter. Criteria: Ambry Variant Classification Scheme 2023. Collection method: clinical testing. Allele origin: germline.

CeGaT Center for Human Genetics Tuebingen
Classification: Uncertain significance. Last evaluated: 2024-09-01. Review status: criteria provided, single submitter. Criteria: CeGaT Center For Human Genetics Tuebingen Variant Classification Criteria Version 2. Collection method: clinical testing. Allele origin: germline. Affected: yes. Observed: 1 variant allele.
Comment: LRP4: PM2

Labcorp Genetics (formerly Invitae), Labcorp
Classification: Uncertain significance for Cenani-Lenz syndactyly syndrome; Sclerosteosis 2; Congenital myasthenic syndrome 17. Last evaluated: 2022-04-21. Review status: criteria provided, single submitter. Criteria: Invitae Variant Classification Sherloc (09022015). Collection method: clinical testing. Allele origin: germline.
Comment: This sequence change replaces asparagine, which is neutral and polar, with histidine, which is basic and polar, at codon 1788 of the LRP4 protein (p.Asn1788His). This variant is present in population databases (no rsID available, gnomAD 0.002%). This variant has not been reported in the literature in individuals affected with LRP4-related conditions. Algorithms developed to predict the effect of missense changes on protein structure and function are either unavailable or do not agree on the potential impact of this missense change (SIFT: "Deleterious"; PolyPhen-2: "Possibly Damaging"; Align-GVGD: "Class C0"). In summary, the available evidence is currently insufficient to determine the role of this variant in disease. Therefore, it has been classified as a Variant of Uncertain Significance.